The following is an entry in ClinVar:

ClinVar aggregate classification (germline): Uncertain significance (1 of 4 stars; one submission).

Submission:

Ambry Genetics
Classification: Uncertain significance. Last evaluated: 2022-11-19. Review status: criteria provided, single submitter. Criteria: Ambry Variant Classification Scheme 2023. Collection method: clinical testing. Allele origin: germline.
Comment: The p.V215M variant (also known as c.643G>A), located in coding exon 5 of the POLQ gene, results from a G to A substitution at nucleotide position 643. The valine at codon 215 is replaced by methionine, an amino acid with highly similar properties. This amino acid position is conserved. In addition, this alteration is predicted to be tolerated by in silico analysis. Since supporting evidence is limited at this time, the clinical significance of this alteration remains unclear.

NM_199420.4(POLQ):c.643G>A (p.Val215Met)

Gene: POLQ (DNA polymerase theta; minus strand). Cytogenetic location: 3q13.33.
Variant type: single nucleotide variant.
Coding change: c.643G>A on transcript NM_199420.4 (MANE Select); coding-DNA position 643, G replaced by A.
Protein change: p.Val215Met; replaces valine 215 with methionine.
Molecular consequence: missense variant.
Genome position (GRCh38, 1-based): chr3:121,537,197, C>T on the plus strand (G>A on the coding strand, the complement: POLQ is on the minus strand). VCF-style: chr3-121537197-C-T. GRCh37 (hg19) VCF-style: chr3-121256044-C-T.
Other names: short protein forms V215M.
Identifiers: ClinVar variation 2448913 (VCV002448913.2), dbSNP rs2546822823, ClinGen allele CA354090800.